The following is an entry in ClinVar:

NM_032043.3(BRIP1):c.2296A>G (p.Ser766Gly)

Gene: BRIP1 (BRCA1 interacting DNA helicase 1; minus strand). Cytogenetic location: 17q23.2.
Variant type: single nucleotide variant.
Coding change: c.2296A>G on transcript NM_032043.3 (MANE Select); coding-DNA position 2296, A replaced by G.
Protein change: p.Ser766Gly; replaces serine 766 with glycine.
Molecular consequence: missense variant.
Genome position (GRCh38, 1-based): chr17:61,743,096, T>C on the plus strand (A>G on the coding strand, the complement: BRIP1 is on the minus strand). VCF-style: chr17-61743096-T-C. GRCh37 (hg19) VCF-style: chr17-59820457-T-C.
Other names: short protein forms S766G.
Identifiers: ClinVar variation 2091197 (VCV002091197.4), dbSNP rs371227751, ClinGen allele CA292268922.

ClinVar aggregate classification (germline): Uncertain significance (1 of 4 stars; one submission).

Conditions:
Familial cancer of breast. Also called: hereditary breast carcinoma; Hereditary breast cancer; BREAST CANCER, FAMILIAL. Identifiers: Orphanet 227535, MedGen C0346153, MONDO:0016419, OMIM 114480. Disease mechanism: loss of function.
Fanconi anemia complementation group J. Also called: BRIP1-Related Fanconi Anemia. Identifiers: Orphanet 84, MedGen C1836860, MONDO:0012187, OMIM 609054.

Allele frequency attached by ClinVar (database versions not stated): gnomAD exomes below 0.00001.
gnomAD v4.1: 1 of 1,613,962 alleles (0.000062%); highest among the groups gnomAD compares: Non-Finnish European, 0.000085%; no homozygotes.

Submission:

Labcorp Genetics (formerly Invitae), Labcorp
Classification: Uncertain significance for Familial cancer of breast; Fanconi anemia complementation group J. Last evaluated: 2022-11-20. Review status: criteria provided, single submitter. Criteria: Invitae Variant Classification Sherloc (09022015). Collection method: clinical testing. Allele origin: germline.
Comment: This variant is not present in population databases (gnomAD no frequency). This variant has not been reported in the literature in individuals affected with BRIP1-related conditions. Advanced modeling of protein sequence and biophysical properties (such as structural, functional, and spatial information, amino acid conservation, physicochemical variation, residue mobility, and thermodynamic stability) performed at Invitae indicates that this missense variant is expected to disrupt BRIP1 protein function. In summary, the available evidence is currently insufficient to determine the role of this variant in disease. Therefore, it has been classified as a Variant of Uncertain Significance. This sequence change replaces serine, which is neutral and polar, with glycine, which is neutral and non-polar, at codon 766 of the BRIP1 protein (p.Ser766Gly).